The following is an entry in ClinVar:

NM_024675.4(PALB2):c.2474G>C (p.Arg825Thr)

Gene: PALB2 (partner and localizer of BRCA2; minus strand). Cytogenetic location: 16p12.2.
Variant type: single nucleotide variant.
Coding change: c.2474G>C on transcript NM_024675.4 (MANE Select); coding-DNA position 2474, G replaced by C.
Protein change: p.Arg825Thr; replaces arginine 825 with threonine.
Molecular consequence: missense variant.
Genome position (GRCh38, 1-based): chr16:23,629,680, C>G on the plus strand (G>C on the coding strand, the complement: PALB2 is on the minus strand). VCF-style: chr16-23629680-C-G. GRCh37 (hg19) VCF-style: chr16-23641001-C-G.
Other names: short protein forms R825T.
Identifiers: ClinVar variation 185630 (VCV000185630.73), dbSNP rs146218439, ClinGen allele CA192462.

ClinVar aggregate classification (germline): Conflicting classifications of pathogenicity. Review status: criteria provided, conflicting classifications (1 of 4 stars). 13 submissions from 13 submitters: Uncertain significance (2); Likely benign (11). Last evaluated 2026-07-06.

Conditions:
Breast-ovarian cancer, familial, susceptibility to, 5 (BROVCA5). Identifiers: MedGen C5830615, MONDO:0957530, OMIM 620442.
PALB2-related disorder. Also called: PALB2-related condition; PALB2-related disorders.
Hereditary cancer-predisposing syndrome. Also called: Tumor predisposition; Neoplastic Syndromes, Hereditary; Hereditary Cancer Syndrome; Hereditary neoplastic syndrome. Identifiers: Orphanet 140162, MedGen C0027672, MeSH D009386, MONDO:0015356.
Endometrial carcinoma. Also called: Endometrial carcinoma, somatic. Identifiers: MedGen C0476089, MONDO:0002447, OMIM 608089, HP:0012114.
Familial cancer of breast. Also called: hereditary breast carcinoma; BREAST CANCER, FAMILIAL; Hereditary breast cancer. Identifiers: Orphanet 227535, MedGen C0346153, MONDO:0016419, OMIM 114480. Disease mechanism: loss of function.

Allele frequency attached by ClinVar (database versions not stated): 1000 Genomes Project 30x 0.00062; 1000 Genomes Project 0.00080; gnomAD exomes 0.00002 and 0.00016; TOPMed 0.00005; gnomAD 0.00008 and 0.00010; ExAC 0.00014.
gnomAD v4.1: 48 of 1,614,200 alleles (0.003%); highest among the groups gnomAD compares: East Asian, 0.1%; no homozygotes.

Submissions (13):

PreventionGenetics, part of Exact Sciences
Classification: Likely benign for PALB2-related condition. Last evaluated: 2026-07-06. Review status: criteria provided, single submitter. Criteria: ACMG Guidelines, 2015. Collection method: clinical testing. Allele origin: germline.
Comment: This variant is classified as likely benign based on ACMG/AMP sequence variant interpretation guidelines (Richards et al. 2015 PMID: 25741868, with internal and published modifications).

Labcorp Genetics (formerly Invitae), Labcorp
Classification: Likely benign for Familial cancer of breast. Last evaluated: 2026-02-04. Review status: criteria provided, single submitter. Criteria: Invitae Variant Classification Sherloc (09022015). Collection method: clinical testing. Allele origin: germline.

Myriad Genetics, Inc.
Classification: Likely benign for Familial cancer of breast. Last evaluated: 2025-01-16. Review status: criteria provided, single submitter. Criteria: Myriad Autosomal Dominant, Autosomal Recessive and X-Linked Classification Criteria (2023). Collection method: clinical testing. Allele origin: unknown.
Comment: This variant is considered likely benign. This variant is strongly associated with less severe personal and family histories of cancer, typical for individuals without pathogenic variants in this gene [PMID: 25085752].

Quest Diagnostics Nichols Institute San Juan Capistrano
Classification: Likely benign. Last evaluated: 2023-08-03. Review status: criteria provided, single submitter. Criteria: Quest Diagnostics criteria. Collection method: clinical testing. Allele origin: unknown.

Department of Pathology and Laboratory Medicine, Sinai Health System
Classification: Likely benign for Breast-ovarian cancer, familial, susceptibility to, 5. Last evaluated: 2022-10-31. Review status: criteria provided, single submitter. Criteria: ACMG Guidelines, 2015. Collection method: clinical testing. Allele origin: germline. Affected: yes.

Women's Health and Genetics/Laboratory Corporation of America, LabCorp
Classification: Likely benign. Last evaluated: 2021-08-23. Review status: criteria provided, single submitter. Criteria: LabCorp Variant Classification Summary - May 2015. Collection method: clinical testing. Allele origin: germline.
Comment: Variant summary: PALB2 c.2474G>C (p.Arg825Thr) results in a non-conservative amino acid change in the encoded protein sequence. Four of five in-silico tools predict a benign effect of the variant on protein function. The variant allele was found at a frequency of 0.00016 in 251430 control chromosomes, predominantly at a frequency of 0.0022 within the East Asian subpopulation in the gnomAD database. The observed variant frequency within East Asian control individuals in the gnomAD database is approximately 14.079 fold of the estimated maximal expected allele frequency for a pathogenic variant in PALB2 causing Hereditary Breast And Ovarian Cancer Syndrome phenotype (0.00016), strongly suggesting that the variant is a benign polymorphism found primarily in populations of East Asian origin. c.2474G>C has been reported in the literature in individuals affected with various types of cancers includin leiomyosarcoma, stomach adenocarcinoma, breast cancer and urothelial carcinoma, all without strong evidence for causality (Yang_2015, Lu_2015, Kwong_2020, Xie_2018, Yang_2021). These reports do not provide unequivocal conclusions about association of the variant with Hereditary Breast And Ovarian Cancer Syndrome. To our knowledge, no experimental evidence demonstrating an impact on protein function has been reported. Eight clinical diagnostic laboratories have submitted clinical-significance assessments for this variant to ClinVar after 2014 without evidence for independent evaluation; four classified as VUS while four classified as likely benign. Based on the evidence outlined above, the variant was classified as likely benign.

Sema4
Classification: Likely benign for Hereditary cancer-predisposing syndrome. Last evaluated: 2021-02-03. Review status: criteria provided, single submitter. Criteria: Sema4 Curation Guidelines. Collection method: curation. Allele origin: germline.

GeneDx
Classification: Likely benign. Last evaluated: 2020-12-16. Review status: criteria provided, single submitter. Criteria: GeneDx Variant Classification Process June 2021. Collection method: clinical testing. Allele origin: germline. Affected: yes.
Comment: This variant is associated with the following publications: (PMID: 28580595, 26692951)

ACT Genomics,
Classification: Likely benign for Endometrial carcinoma. Last evaluated: 2020-07-20. Review status: criteria provided, single submitter. Criteria: ACMG Guidelines, 2015. Collection method: clinical testing. Allele origin: germline. Inheritance: Autosomal dominant inheritance. Affected: yes. Observed: 1 heterozygote.
Comment: The allele frequency of this variant c.2474G>C (p.Arg825Thr) is 0.0037 in East Asian of gnomAD and 0.004 in East Asian of 1000 Genomes, which is greater than expected for the disorder. There is a moderate physicochemical difference between arginine and threonine. The variant is predicted to be tolerated by both SIFT or PolyPhen2. For these reasons, this variant has been classified as Likely Benign.

Ambry Genetics
Classification: Likely benign for Hereditary cancer-predisposing syndrome. Last evaluated: 2020-04-28. Review status: criteria provided, single submitter. Criteria: Ambry Variant Classification Scheme 2023. Collection method: clinical testing. Allele origin: germline.

Color Diagnostics, LLC DBA Color Health
Classification: Likely benign for Hereditary cancer-predisposing syndrome. Last evaluated: 2020-02-19. Review status: criteria provided, single submitter. Criteria: ACMG Guidelines, 2015. Collection method: clinical testing. Allele origin: germline.

CeGaT Center for Human Genetics Tuebingen
Classification: Uncertain significance. Last evaluated: 2019-11-01. Review status: criteria provided, single submitter. Criteria: CeGaT Center For Human Genetics Tuebingen Variant Classification Criteria Version 2. Collection method: clinical testing. Allele origin: germline. Affected: yes. Observed: 2 variant alleles.

Institute for Biomarker Research, Medical Diagnostic Laboratories, L.L.C.
Classification: Uncertain significance for Hereditary cancer-predisposing syndrome. Last evaluated: 2018-01-16. Review status: criteria provided, single submitter. Criteria: ACMG Guidelines, 2015. Collection method: clinical testing. Allele origin: germline.

Literature cited by the submitters: PubMed 25085752 (cited by Myriad Genetics, Inc.); PubMed 28580595 (cited by Quest Diagnostics Nichols Institute San Juan Capistrano and Women's Health and Genetics/Laboratory Corporation of America, LabCorp); PubMed 26689913 (cited by 3 submitters); PubMed 26692951 (cited by Quest Diagnostics Nichols Institute San Juan Capistrano and Women's Health and Genetics/Laboratory Corporation of America, LabCorp); PubMed 32068069 (cited by 3 submitters); PubMed 33588785 (cited by Quest Diagnostics Nichols Institute San Juan Capistrano and Women's Health and Genetics/Laboratory Corporation of America, LabCorp); PubMed 31468469 (cited by Quest Diagnostics Nichols Institute San Juan Capistrano); PubMed 33471991 (cited by Quest Diagnostics Nichols Institute San Juan Capistrano and Department of Pathology and Laboratory Medicine, Sinai Health System); PubMed 33563768 (cited by Quest Diagnostics Nichols Institute San Juan Capistrano); PubMed 36271373 (cited by Quest Diagnostics Nichols Institute San Juan Capistrano); PubMed 32091409 (cited by Quest Diagnostics Nichols Institute San Juan Capistrano); PubMed 32625235 (cited by Quest Diagnostics Nichols Institute San Juan Capistrano).